The following is an entry in ClinVar:

ClinVar aggregate classification (germline): Uncertain significance. Review status: criteria provided, multiple submitters, no conflicts (2 of 4 stars). 2 submissions from 2 submitters: Uncertain significance (2). Last evaluated 2026-01-12.

Allele frequency attached by ClinVar (database versions not stated): gnomAD 0.00001 and 0.00007; ExAC 0.00004; gnomAD exomes 0.00004; TOPMed 0.00008; 1000 Genomes Project 30x 0.00094; 1000 Genomes Project 0.00100.
gnomAD v4.1: 60 of 1,613,366 alleles (0.0037%); highest among the groups gnomAD compares: East Asian, 0.071%; no homozygotes.

Submissions (2):

Labcorp Genetics (formerly Invitae), Labcorp
Classification: Uncertain significance. Last evaluated: 2026-01-12. Review status: criteria provided, single submitter. Criteria: Invitae Variant Classification Sherloc (09022015). Collection method: clinical testing. Allele origin: germline.
Comment: This sequence change replaces glutamine, which is neutral and polar, with leucine, which is neutral and non-polar, at codon 463 of the CACNA2D4 protein (p.Gln463Leu). This variant is present in population databases (rs201865553, gnomAD 0.04%). This variant has not been reported in the literature in individuals affected with CACNA2D4-related conditions. ClinVar contains an entry for this variant (Variation ID: 1036286). An algorithm developed to predict the effect of missense changes on protein structure and function (PolyPhen-2) suggests that this variant is likely to be tolerated. In summary, the available evidence is currently insufficient to determine the role of this variant in disease. Therefore, it has been classified as a Variant of Uncertain Significance.

Blueprint Genetics
Classification: Uncertain significance. Last evaluated: 2023-11-29. Review status: criteria provided, single submitter. Criteria: ACMG Guidelines, 2015. Collection method: clinical testing. Allele origin: germline.

NM_172364.5(CACNA2D4):c.1388A>T (p.Gln463Leu)

Gene: CACNA2D4 (calcium voltage-gated channel auxiliary subunit alpha2delta 4; minus strand). Cytogenetic location: 12p13.33.
Variant type: single nucleotide variant.
Coding change: c.1388A>T on transcript NM_172364.5 (MANE Select); coding-DNA position 1388, A replaced by T.
Protein change: p.Gln463Leu; replaces glutamine 463 with leucine.
Molecular consequence: missense variant.
Genome position (GRCh38, 1-based): chr12:1,882,964, T>A on the plus strand (A>T on the coding strand, the complement: CACNA2D4 is on the minus strand). VCF-style: chr12-1882964-T-A. GRCh37 (hg19) VCF-style: chr12-1992130-T-A.
Other names: short protein forms Q463L.
Identifiers: ClinVar variation 1036286 (VCV001036286.8), dbSNP rs201865553, ClinGen allele CA6387149.